The following is an entry in ClinVar:

ClinVar aggregate classification (germline): Conflicting classifications of pathogenicity. Review status: criteria provided, conflicting classifications (1 of 4 stars). 2 submissions from 2 submitters: Likely pathogenic (1); Uncertain significance (1). Last evaluated 2023-09-21.

Conditions:
Very long chain acyl-CoA dehydrogenase deficiency (ACADVLD). Also called: VLCAD Deficiency; Very Long-Chain Acyl-Coenzyme A Dehydrogenase Deficiency. Identifiers: Orphanet 26793, MedGen C3887523, MONDO:0008723, OMIM 201475.

gnomAD v4.1: 10 of 1,612,760 alleles (0.00062%); highest among the groups gnomAD compares: South Asian, 0.011%; no homozygotes.

Submissions (2):

Labcorp Genetics (formerly Invitae), Labcorp
Classification: Likely pathogenic for Very long chain acyl-CoA dehydrogenase deficiency. Last evaluated: 2023-09-21. Review status: criteria provided, single submitter. Criteria: Invitae Variant Classification Sherloc (09022015). Collection method: clinical testing. Allele origin: germline.
Comment: In summary, the currently available evidence indicates that the variant is pathogenic, but additional data are needed to prove that conclusively. Therefore, this variant has been classified as Likely Pathogenic. This variant has not been reported in the literature in individuals affected with ACADVL-related conditions. This variant disrupts the p.Asp361 amino acid residue in ACADVL. Other variant(s) that disrupt this residue have been determined to be pathogenic (PMID: 32061778). This suggests that this residue is clinically significant, and that variants that disrupt this residue are likely to be disease-causing. This variant is present in population databases (no rsID available, gnomAD 0.006%). This sequence change replaces aspartic acid, which is acidic and polar, with tyrosine, which is neutral and polar, at codon 361 of the ACADVL protein (p.Asp361Tyr). Advanced modeling of protein sequence and biophysical properties (such as structural, functional, and spatial information, amino acid conservation, physicochemical variation, residue mobility, and thermodynamic stability) performed at Invitae indicates that this missense variant is expected to disrupt ACADVL protein function. Algorithms developed to predict the effect of sequence changes on RNA splicing suggest that this variant may disrupt the consensus splice site.

Blueprint Genetics
Classification: Uncertain significance. Last evaluated: 2022-10-04. Review status: criteria provided, single submitter. Criteria: ACMG Guidelines, 2015. Collection method: clinical testing. Allele origin: germline.

Literature cited by the submitters: PubMed 32061778 (cited by Labcorp Genetics (formerly Invitae), Labcorp).

NM_000018.4(ACADVL):c.1081G>T (p.Asp361Tyr)

Gene: ACADVL (acyl-CoA dehydrogenase very long chain; plus strand). Cytogenetic location: 17p13.1.
Variant type: single nucleotide variant.
Coding change: c.1081G>T on transcript NM_000018.4 (MANE Select); coding-DNA position 1081, G replaced by T.
Protein change: p.Asp361Tyr; replaces aspartic acid 361 with tyrosine.
Molecular consequence: missense variant.
Genome position (GRCh38, 1-based): chr17:7,223,136, G>T. VCF-style: chr17-7223136-G-T. GRCh37 (hg19) VCF-style: chr17-7126455-G-T.
Other names: c.1015G>T, p.Asp339Tyr (NM_001033859.3); c.1150G>T, p.Asp384Tyr (NM_001270447.2); c.853G>T, p.Asp285Tyr (NM_001270448.2); short protein forms D384Y, D339Y, D285Y, D361Y.
Identifiers: ClinVar variation 2974642 (VCV002974642.4), dbSNP rs1331739604, ClinGen allele CA397724315.